The following is an entry in ClinVar:

NM_145199.3(LIPT1):c.935T>C (p.Ile312Thr)

Genes: MITD1 (microtubule interacting and trafficking domain containing 1; minus strand), LIPT1 (lipoyltransferase 1; plus strand). Cytogenetic location: 2q11.2.
Variant type: single nucleotide variant.
Coding change: c.935T>C on transcript NM_145199.3 (MANE Select); coding-DNA position 935, T replaced by C.
Protein change: p.Ile312Thr; replaces isoleucine 312 with threonine.
Molecular consequence: missense variant. On other transcripts: non-coding transcript variant (2).
Genome position (GRCh38, 1-based): chr2:99,162,892, T>C. VCF-style: chr2-99162892-T-C. GRCh37 (hg19) VCF-style: chr2-99779355-T-C.
Other names: c.935T>C, p.Ile312Thr (NM_001204830.2, NM_015929.4, NM_145197.3 and 1 more transcripts); c.935T>C (NM_001204830.1); short protein forms I312T.
Identifiers: ClinVar variation 2192721 (VCV002192721.3), dbSNP rs766522720, ClinGen allele CA1797404.

ClinVar aggregate classification (germline): Uncertain significance. Review status: criteria provided, multiple submitters, no conflicts (2 of 4 stars). 2 submissions from 2 submitters: Uncertain significance (2). Last evaluated 2025-01-09.

Conditions:
Inborn genetic diseases. Identifiers: MedGen C0950123, MeSH D030342.

Allele frequency attached by ClinVar (database versions not stated): ExAC 0.00003; gnomAD 0.00003; gnomAD exomes 0.00003; TOPMed 0.00003.
gnomAD v4.1: 23 of 1,613,002 alleles (0.0014%); highest among the groups gnomAD compares: Admixed American, 0.027%; no homozygotes.

Submissions (2):

Ambry Genetics
Classification: Uncertain significance for Inborn genetic diseases. Last evaluated: 2025-01-09. Review status: criteria provided, single submitter. Criteria: Ambry Variant Classification Scheme 2023. Collection method: clinical testing. Allele origin: germline.

Labcorp Genetics (formerly Invitae), Labcorp
Classification: Uncertain significance. Last evaluated: 2022-08-31. Review status: criteria provided, single submitter. Criteria: Invitae Variant Classification Sherloc (09022015). Collection method: clinical testing. Allele origin: germline.
Comment: In summary, the available evidence is currently insufficient to determine the role of this variant in disease. Therefore, it has been classified as a Variant of Uncertain Significance. Algorithms developed to predict the effect of missense changes on protein structure and function are either unavailable or do not agree on the potential impact of this missense change (SIFT: "Tolerated"; PolyPhen-2: "Probably Damaging"; Align-GVGD: "Class C0"). This variant has not been reported in the literature in individuals affected with LIPT1-related conditions. This variant is present in population databases (rs766522720, gnomAD 0.04%). This sequence change replaces isoleucine, which is neutral and non-polar, with threonine, which is neutral and polar, at codon 312 of the LIPT1 protein (p.Ile312Thr).